The following is an entry in ClinVar:

ClinVar aggregate classification (germline): Uncertain significance (1 of 4 stars; one submission).

Conditions:
Generalized epilepsy with febrile seizures plus, type 7 (GEFSP7). Also called: GEFS+, TYPE 7. Identifiers: Orphanet 36387, MedGen C2751778, MONDO:0013470, OMIM 613863.
Neuropathy, hereditary sensory and autonomic, type 2A (HSAN2A). Also called: WNK1-Related HSAN2 (HSAN2A); HSAN IIA; MORVAN DISEASE; NEUROPATHY, CONGENITAL SENSORY; NEUROPATHY, HEREDITARY SENSORY RADICULAR, AUTOSOMAL RECESSIVE; NEUROPATHY, HEREDITARY SENSORY, TYPE IIA. Identifiers: Orphanet 970, MedGen C2752089, MONDO:0024309, OMIM 201300.

Allele frequency attached by ClinVar (database versions not stated): TOPMed below 0.00001.

Submission:

Labcorp Genetics (formerly Invitae), Labcorp
Classification: Uncertain significance for Neuropathy, hereditary sensory and autonomic, type 2A; Generalized epilepsy with febrile seizures plus, type 7. Last evaluated: 2025-01-06. Review status: criteria provided, single submitter. Criteria: Invitae Variant Classification Sherloc (09022015). Collection method: clinical testing. Allele origin: germline.
Comment: This sequence change replaces methionine, which is neutral and non-polar, with isoleucine, which is neutral and non-polar, at codon 1296 of the SCN9A protein (p.Met1296Ile). This variant is not present in population databases (gnomAD no frequency). This variant has not been reported in the literature in individuals affected with SCN9A-related conditions. ClinVar contains an entry for this variant (Variation ID: 961207). Invitae Evidence Modeling of protein sequence and biophysical properties (such as structural, functional, and spatial information, amino acid conservation, physicochemical variation, residue mobility, and thermodynamic stability) indicates that this missense variant is not expected to disrupt SCN9A protein function with a negative predictive value of 95%. In summary, the available evidence is currently insufficient to determine the role of this variant in disease. Therefore, it has been classified as a Variant of Uncertain Significance.

NM_001365536.1(SCN9A):c.3921G>A (p.Met1307Ile)

Genes: SCN9A (sodium voltage-gated channel alpha subunit 9; minus strand), SCN1A-AS1 (SCN1A and SCN9A antisense RNA 1; plus strand). Cytogenetic location: 2q24.3.
Variant type: single nucleotide variant.
Coding change: c.3921G>A on transcript NM_001365536.1 (MANE Select); coding-DNA position 3921, G replaced by A.
Protein change: p.Met1307Ile; replaces methionine 1307 with isoleucine.
Molecular consequence: missense variant.
Genome position (GRCh38, 1-based): chr2:166,233,343, C>T on the plus strand (G>A on the coding strand, the complement: SCN9A is on the minus strand). VCF-style: chr2-166233343-C-T. GRCh37 (hg19) VCF-style: chr2-167089853-C-T.
Other names: c.3888G>A, p.Met1296Ile (NM_002977.4); short protein forms M1296I, M1307I.
Identifiers: ClinVar variation 961207 (VCV000961207.10), dbSNP rs1388858062, ClinGen allele CA349066272.
Genomic context (GRCh38, chr2:166,233,343, plus strand): 5'-TTATATTTTAAACCCCATTAAAAAATAAGAACATTATAAAGTTTAGTATTTTCTTACCCT[C>T]ATTCCTTCAAATCTAGATAAGGCTCTTAGAGGTCTTAAAGCTCTCAGTGTCCGAAGGGAT-3'
Protein context (NP_001352465.1, residues 1297-1317): PLRALSRFEG[Met1307Ile]RVVVNALIGA